The following is an entry in ClinVar:

ClinVar aggregate classification (germline): Uncertain significance (1 of 4 stars; one submission).

Submission:

Ambry Genetics
Classification: Uncertain significance. Last evaluated: 2026-07-03. Review status: criteria provided, single submitter. Criteria: Ambry Variant Classification Scheme 2023. Collection method: clinical testing. Allele origin: germline.
Comment: The c.914A>T (p.E305V) alteration is located in exon 2 (coding exon 1) of the MAGEB18 gene. This alteration results from a A to T substitution at nucleotide position 914, causing the glutamic acid (E) at amino acid position 305 to be replaced by a valine (V). Based on data from gnomAD, the T allele has an overall frequency of 0.002% (3/175757) total alleles studied. The highest observed frequency was 0.023% (1/4375) of Other alleles. Based on insufficient or conflicting evidence, the clinical significance of this alteration remains unclear.

NM_173699.4(MAGEB18):c.914A>T (p.Glu305Val)

Gene: MAGEB18 (MAGE family member B18; plus strand). Cytogenetic location: Xp21.3.
Variant type: single nucleotide variant.
Coding change: c.914A>T on transcript NM_173699.4 (MANE Select); coding-DNA position 914, A replaced by T.
Protein change: p.Glu305Val; replaces glutamic acid 305 with valine.
Molecular consequence: missense variant.
Genome position (GRCh38, 1-based): chrX:26,139,899, A>T. VCF-style: chrX-26139899-A-T. GRCh37 (hg19) VCF-style: chrX-26158016-A-T.
Other names: short protein forms E305V.
Identifiers: ClinVar variation 5023830 (VCV005023830.1).